The following is an entry in ClinVar:

ClinVar aggregate classification (germline): Uncertain significance (1 of 4 stars; one submission).

Conditions:
Dystonic disorder. Also called: Dystonia. Identifiers: MedGen C0013421, MONDO:0003441, HP:0001332.

Allele frequency attached by ClinVar (database versions not stated): gnomAD exomes below 0.00001; TOPMed below 0.00001; gnomAD 0.00001.
gnomAD v4.1: 2 of 1,610,372 alleles (0.00012%); highest among the groups gnomAD compares: East Asian, 0.0022%; no homozygotes.

Submission:

Labcorp Genetics (formerly Invitae), Labcorp
Classification: Uncertain significance for Dystonic disorder. Last evaluated: 2023-12-02. Review status: criteria provided, single submitter. Criteria: Invitae Variant Classification Sherloc (09022015). Collection method: clinical testing. Allele origin: germline.
Comment: This sequence change affects codon 234 of the GNAL mRNA. It is a 'silent' change, meaning that it does not change the encoded amino acid sequence of the GNAL protein. This variant is not present in population databases (gnomAD no frequency). This variant has not been reported in the literature in individuals affected with GNAL-related conditions. Algorithms developed to predict the effect of sequence changes on RNA splicing suggest that this variant may create or strengthen a splice site. In summary, the available evidence is currently insufficient to determine the role of this variant in disease. Therefore, it has been classified as a Variant of Uncertain Significance.

NM_182978.4(GNAL):c.933C>T (p.Val311=)

Gene: GNAL (G protein subunit alpha L; plus strand). Cytogenetic location: 18p11.21.
Variant type: single nucleotide variant.
Coding change: c.933C>T on transcript NM_182978.4 (MANE Select); coding-DNA position 933, C replaced by T.
Protein change: p.Val311=; no amino-acid change (valine 311 retained).
Molecular consequence: synonymous variant.
Genome position (GRCh38, 1-based): chr18:11,868,565, C>T. VCF-style: chr18-11868565-C-T. GRCh37 (hg19) VCF-style: chr18-11868564-C-T.
Other names: c.702C>T, p.Val234= (NM_001142339.3, NM_001261443.2, NM_001369387.1); c.81C>T, p.Val27= (NM_001261444.2).
Identifiers: ClinVar variation 2740340 (VCV002740340.3), dbSNP rs1318167543, ClinGen allele CA502927559.